The following is an entry in ClinVar:

NM_018714.3(COG1):c.789CAC[1] (p.Thr265del)

Gene: COG1 (component of oligomeric golgi complex 1; plus strand). Cytogenetic location: 17q25.1.
Variant type: Microsatellite.
Coding change: c.789CAC[1] on transcript NM_018714.3 (MANE Select); one copy of the 3-base unit CAC starting at c.789; the reference has two copies in a row; one copy, 3 bases deleted.
Protein change: p.Thr265del; deletes threonine 265.
Molecular consequence: inframe deletion.
Genome position (GRCh38, 1-based): chr17:73,197,275-73,197,277, CAC deleted; deleting any 3 consecutive bases within chr17:73,197,271-73,197,277 gives the same sequence; the position shown is the placement nearest the transcript's 3' end. VCF-style (leftmost placement, unchanged base first): chr17-73197270-GCCA-G. GRCh37 (hg19) VCF-style: chr17-71193409-GCCA-G.
Other names: short protein forms T265del.
Identifiers: ClinVar variation 4074338 (VCV004074338.1).

ClinVar aggregate classification (germline): Uncertain significance (1 of 4 stars; one submission).

Submission:

GeneDx
Classification: Uncertain significance. Last evaluated: 2025-02-11. Review status: criteria provided, single submitter. Criteria: GeneDx Variant Classification Process June 2021. Collection method: clinical testing. Allele origin: germline. Affected: yes.
Comment: Not observed at significant frequency in large population cohorts (gnomAD); In-frame deletion of 1 amino acid(s) in a non-repeat region; In silico analysis supports a deleterious effect on protein structure/function; Has not been previously published as pathogenic or benign to our knowledge